The following is an entry in ClinVar:

ClinVar aggregate classification (germline): Likely benign. Review status: criteria provided, multiple submitters, no conflicts (2 of 4 stars). 3 submissions from 3 submitters: Likely benign (2). 1 of the submissions does not count toward it. Last evaluated 2026-01-13.

Conditions:
POLE-related disorder. Also called: POLE-related disorders; POLE-related condition.
Hereditary cancer-predisposing syndrome. Also called: Neoplastic Syndromes, Hereditary; Tumor predisposition; Hereditary Cancer Syndrome; Hereditary neoplastic syndrome. Identifiers: Orphanet 140162, MedGen C0027672, MeSH D009386, MONDO:0015356.

Allele frequency attached by ClinVar (database versions not stated): gnomAD 0.00001; TOPMed 0.00001; gnomAD exomes 0.00002.
gnomAD v4.1: 26 of 1,612,556 alleles (0.0016%); highest among the groups gnomAD compares: Non-Finnish European, 0.0022%; no homozygotes.

Submissions (3):

Labcorp Genetics (formerly Invitae), Labcorp
Classification: Likely benign. Last evaluated: 2026-01-13. Review status: criteria provided, single submitter. Criteria: Invitae Variant Classification Sherloc (09022015). Collection method: clinical testing. Allele origin: germline.

Ambry Genetics
Classification: Likely benign for Hereditary cancer-predisposing syndrome. Last evaluated: 2017-07-20. Review status: criteria provided, single submitter. Criteria: Ambry Variant Classification Scheme 2023. Collection method: clinical testing. Allele origin: germline.

PreventionGenetics, part of Exact Sciences
Classification: Likely benign for POLE-related condition. Last evaluated: 2020-06-18. Review status: no assertion criteria provided. Collection method: clinical testing. Allele origin: germline. Not counted in ClinVar's aggregate classification.
Comment: This variant is classified as likely benign based on ACMG/AMP sequence variant interpretation guidelines (Richards et al. 2015 PMID: 25741868, with internal and published modifications).

NM_006231.4(POLE):c.6837G>A (p.Gln2279=)

Gene: POLE (DNA polymerase epsilon, catalytic subunit; minus strand). Cytogenetic location: 12q24.33.
Variant type: single nucleotide variant.
Coding change: c.6837G>A on transcript NM_006231.4 (MANE Select); coding-DNA position 6837, G replaced by A.
Protein change: p.Gln2279=; no amino-acid change (glutamine 2279 retained).
Molecular consequence: synonymous variant.
Genome position (GRCh38, 1-based): chr12:132,624,721, C>T on the plus strand (G>A on the coding strand, the complement: POLE is on the minus strand). VCF-style: chr12-132624721-C-T. GRCh37 (hg19) VCF-style: chr12-133201307-C-T.
Identifiers: ClinVar variation 484479 (VCV000484479.18), dbSNP rs1195523886, ClinGen allele CA482848438.
Genomic context (GRCh38, chr12:132,624,721, plus strand): 5'-GGCACGGACGCAGAGGCACCCGGGGCCCGGGGCTGGCTAATGGCCCAGCTGTGGGTTCTT[C>T]TGCAGCAGCCACTCCAGGGTCTCCAGGAGGTACGACATGCCGTAGTGCTGGGCAATGTTC-3'
Protein context (NP_006222.2, residues 2269-2286): YLLETLEWLL[Gln2279=]KNPQLGH